The following is an entry in ClinVar:

ClinVar aggregate classification (germline): Likely benign. Review status: criteria provided, multiple submitters, no conflicts (2 of 4 stars). 4 submissions from 4 submitters: Likely benign (4). Last evaluated 2025-12-21.

Conditions:
Mitochondrial complex II deficiency, nuclear type 1. Also called: SUCCINATE CoQ REDUCTASE DEFICIENCY. Identifiers: Orphanet 3208, MedGen C5700310, MONDO:0100294, OMIM 252011.
Pheochromocytoma/paraganglioma syndrome 5. Also called: Paragangliomas 5; SDHA-Related Hereditary Paraganglioma-Pheochromocytoma Syndrome. Identifiers: Orphanet 29072, MedGen C3279992, MONDO:0013602, OMIM 614165.

Allele frequency attached by ClinVar (database versions not stated): gnomAD exomes 0.00001; ExAC 0.00002; gnomAD 0.00012 and 0.00014; 1000 Genomes Project 30x 0.00016; 1000 Genomes Project 0.00020; TOPMed 0.00022.
gnomAD v4.1: 35 of 1,607,184 alleles (0.0022%); highest among the groups gnomAD compares: Admixed American, 0.035%; no homozygotes.

Submissions (4):

Labcorp Genetics (formerly Invitae), Labcorp
Classification: Likely benign for Pheochromocytoma/paraganglioma syndrome 5; Mitochondrial complex II deficiency, nuclear type 1. Last evaluated: 2025-12-21. Review status: criteria provided, single submitter. Criteria: Invitae Variant Classification Sherloc (09022015). Collection method: clinical testing. Allele origin: germline.

Myriad Genetics, Inc.
Classification: Likely benign for Pheochromocytoma/paraganglioma syndrome 5. Last evaluated: 2025-03-10. Review status: criteria provided, single submitter. Criteria: Myriad Autosomal Dominant, Autosomal Recessive and X-Linked Classification Criteria (2023). Collection method: clinical testing. Allele origin: unknown.
Comment: This variant is considered likely benign. This variant is intronic and is not expected to impact mRNA splicing.

Women's Health and Genetics/Laboratory Corporation of America, LabCorp
Classification: Likely benign. Last evaluated: 2024-03-07. Review status: criteria provided, single submitter. Criteria: LabCorp Variant Classification Summary - May 2015. Collection method: clinical testing. Allele origin: germline.

GeneDx
Classification: Likely benign. Last evaluated: 2018-01-12. Review status: criteria provided, single submitter. Criteria: GeneDx Variant Classification (06012015). Collection method: clinical testing. Allele origin: germline. Affected: yes.
Comment: This variant is considered likely benign or benign based on one or more of the following criteria: it is a conservative change, it occurs at a poorly conserved position in the protein, it is predicted to be benign by multiple in silico algorithms, and/or has population frequency not consistent with disease.

NM_004168.4(SDHA):c.1552-15T>C

Gene: SDHA (succinate dehydrogenase complex flavoprotein subunit A; plus strand). Cytogenetic location: 5p15.33.
Variant type: single nucleotide variant.
Coding change: c.1552-15T>C on transcript NM_004168.4 (MANE Select); 15 bases into the intron before coding-DNA position 1552, T replaced by C.
Molecular consequence: intron variant.
Genome position (GRCh38, 1-based): chr5:250,977, T>C. VCF-style: chr5-250977-T-C. GRCh37 (hg19) VCF-style: chr5-251092-T-C.
Other names: c.1552-3416T>C (NM_001330758.2); c.1408-15T>C (NM_001294332.2).
Identifiers: ClinVar variation 514383 (VCV000514383.17), dbSNP rs543628983, ClinGen allele CA3173294.